The following is an entry in ClinVar:

ClinVar aggregate classification (germline): Likely pathogenic (1 of 4 stars; one submission).

Conditions:
Autism, susceptibility to, X-linked 4 (AUTSX4). Identifiers: MedGen C0795888, MONDO:0010440, OMIM 300830.

Submission:

HudsonAlpha Institute for Biotechnology
Classification: Likely pathogenic for Autism, susceptibility to, X-linked 4. Last evaluated: 2021-03-25. Review status: criteria provided, single submitter. Criteria: ACMG Guidelines, 2015. Collection method: research. Allele origin: maternal. Affected: yes. Observed: 1 variant allele. Study: HudsonAlpha-AGHI-WGS.
Comment: ACMG codes:PVS1, PM2

NM_173495.3(PTCHD1):c.1434C>G (p.Tyr478Ter)

Gene: PTCHD1 (patched domain containing 1; plus strand). Cytogenetic location: Xp22.11.
Variant type: single nucleotide variant.
Coding change: c.1434C>G on transcript NM_173495.3 (MANE Select); coding-DNA position 1434, C replaced by G.
Protein change: p.Tyr478Ter; replaces tyrosine 478 with a stop codon.
Molecular consequence: nonsense.
Genome position (GRCh38, 1-based): chrX:23,392,952, C>G. VCF-style: chrX-23392952-C-G. GRCh37 (hg19) VCF-style: chrX-23411069-C-G.
Other names: short protein forms Y478*.
Identifiers: ClinVar variation 1251937 (VCV001251937.1), dbSNP rs751692491, ClinGen allele CA412584137.